The following is an entry in ClinVar:

ClinVar aggregate classification (germline): Likely benign. Review status: criteria provided, multiple submitters, no conflicts (2 of 4 stars). 4 submissions from 4 submitters: Likely benign (3). 1 of the submissions does not count toward it. Last evaluated 2026-01-19.

Conditions:
PRKAR1A-related disorder. Also called: PRKAR1A-related condition.
Carney complex, type 1 (CNC1). Also called: CARNEY COMPLEX, TYPE I; CARNEY MYXOMA-ENDOCRINE COMPLEX. Identifiers: Orphanet 1359, MedGen C2607929, MONDO:0008057, OMIM 160980.
Hereditary cancer-predisposing syndrome. Also called: Neoplastic Syndromes, Hereditary; Tumor predisposition; Hereditary Cancer Syndrome; Hereditary neoplastic syndrome. Identifiers: Orphanet 140162, MedGen C0027672, MeSH D009386, MONDO:0015356.

Allele frequency attached by ClinVar (database versions not stated): TOPMed 0.00003; gnomAD exomes below 0.00001 and 0.00001; gnomAD 0.00003.
gnomAD v4.1: 17 of 1,613,976 alleles (0.0011%); highest among the groups gnomAD compares: African/African-American, 0.0027%; no homozygotes.

Submissions (4):

Labcorp Genetics (formerly Invitae), Labcorp
Classification: Likely benign for Carney complex, type 1. Last evaluated: 2026-01-19. Review status: criteria provided, single submitter. Criteria: Invitae Variant Classification Sherloc (09022015). Collection method: clinical testing. Allele origin: germline.

Women's Health and Genetics/Laboratory Corporation of America, LabCorp
Classification: Likely benign. Last evaluated: 2025-06-08. Review status: criteria provided, single submitter. Criteria: LabCorp Variant Classification Summary - May 2015. Collection method: clinical testing. Allele origin: germline.

Ambry Genetics
Classification: Likely benign for Hereditary cancer-predisposing syndrome. Last evaluated: 2017-04-19. Review status: criteria provided, single submitter. Criteria: Ambry Variant Classification Scheme 2023. Collection method: clinical testing. Allele origin: germline.

PreventionGenetics, part of Exact Sciences
Classification: Likely benign for PRKAR1A-related condition. Last evaluated: 2024-07-25. Review status: no assertion criteria provided. Collection method: clinical testing. Allele origin: germline. Not counted in ClinVar's aggregate classification.
Comment: This variant is classified as likely benign based on ACMG/AMP sequence variant interpretation guidelines (Richards et al. 2015 PMID: 25741868, with internal and published modifications).

NM_002734.5(PRKAR1A):c.189A>G (p.Lys63=)

Gene: PRKAR1A (protein kinase cAMP-dependent type I regulatory subunit alpha; plus strand). Cytogenetic location: 17q24.2.
Variant type: single nucleotide variant.
Coding change: c.189A>G on transcript NM_002734.5 (MANE Select); coding-DNA position 189, A replaced by G.
Protein change: p.Lys63=; no amino-acid change (lysine 63 retained).
Molecular consequence: synonymous variant.
Genome position (GRCh38, 1-based): chr17:68,522,767, A>G. VCF-style: chr17-68522767-A-G. GRCh37 (hg19) VCF-style: chr17-66518908-A-G.
Other names: c.189A>G, p.Lys63= (NM_001369389.1, NM_001369390.1, NM_212471.3 and 4 more transcripts).
Identifiers: ClinVar variation 413786 (VCV000413786.18), dbSNP rs1060504126, ClinGen allele CA16615667.